The following is an entry in ClinVar:

NM_015874.6(RBPJ):c.581G>A (p.Gly194Glu)

Gene: RBPJ (recombination signal binding protein for immunoglobulin kappa J region; plus strand). Cytogenetic location: 4p15.2.
Variant type: single nucleotide variant.
Coding change: c.581G>A on transcript NM_015874.6 (MANE Select); coding-DNA position 581, G replaced by A.
Protein change: p.Gly194Glu; replaces glycine 194 with glutamic acid.
Molecular consequence: missense variant.
Genome position (GRCh38, 1-based): chr4:26,424,426, G>A. VCF-style: chr4-26424426-G-A. GRCh37 (hg19) VCF-style: chr4-26426048-G-A.
Other names: c.620G>A, p.Gly207Glu (NM_005349.4, NM_001374400.1, NM_001379408.1); c.515G>A, p.Gly172Glu (NM_203283.5, NM_001363577.2); c.578G>A, p.Gly193Glu (NM_203284.3, NM_001374401.1, NM_001374402.1 and 3 more transcripts); c.575G>A, p.Gly192Glu (NM_001379409.1); short protein forms G193E, G172E, G192E, G194E, G207E.
Identifiers: ClinVar variation 2759786 (VCV002759786.3), dbSNP rs2475332042, ClinGen allele CA356670690.
Genomic context (GRCh38, chr4:26,424,426, plus strand): 5'-TGGCTCTGTTTAATCGACTACGATCCCAGACAGTTAGTACCAGATACTTGCATGTAGAAG[G>A]AGGTAATTTTCATGCCAGTTCACAGCAGTGGGGAGCCTTTTTTATTCATCTCTGTGAGTA-3'
Protein context (NP_056958.3, residues 184-204): TVSTRYLHVE[Gly194Glu]GNFHASSQQW

ClinVar aggregate classification (germline): Uncertain significance (1 of 4 stars; one submission).

Submission:

Labcorp Genetics (formerly Invitae), Labcorp
Classification: Uncertain significance. Last evaluated: 2023-09-10. Review status: criteria provided, single submitter. Criteria: Invitae Variant Classification Sherloc (09022015). Collection method: clinical testing. Allele origin: germline.
Comment: This sequence change replaces glycine, which is neutral and non-polar, with glutamic acid, which is acidic and polar, at codon 207 of the RBPJ protein (p.Gly207Glu). This variant is not present in population databases (gnomAD no frequency). This variant has not been reported in the literature in individuals affected with RBPJ-related conditions. Advanced modeling of protein sequence and biophysical properties (such as structural, functional, and spatial information, amino acid conservation, physicochemical variation, residue mobility, and thermodynamic stability) performed at Invitae indicates that this missense variant is not expected to disrupt RBPJ protein function. Algorithms developed to predict the effect of sequence changes on RNA splicing suggest that this variant may create or strengthen a splice site. In summary, the available evidence is currently insufficient to determine the role of this variant in disease. Therefore, it has been classified as a Variant of Uncertain Significance.